The following is an entry in ClinVar:

NM_001114753.3(ENG):c.822del (p.Gly275fs)

Gene: ENG (endoglin; minus strand). Cytogenetic location: 9q34.11.
Variant type: Deletion.
Coding change: c.822del on transcript NM_001114753.3 (MANE Select); coding-DNA position 822, one base deleted (T; older notation c.822delT).
Protein change: p.Gly275fs; shifts the reading frame from glycine 275.
Molecular consequence: frameshift variant.
Genome position (GRCh38, 1-based): chr9:127,824,969, A deleted on the plus strand (T on the coding strand, the reverse complement: ENG is on the minus strand). VCF-style (leftmost placement, unchanged base first): chr9-127824968-CA-C. GRCh37 (hg19) VCF-style: chr9-130587247-CA-C.
Other names: c.822delT, p.Gly275Glufs (NM_000118.4, NM_001406715.1); c.276del, p.Gly93fs (NM_001278138.2); short protein forms G275fs, G93fs.
Identifiers: ClinVar variation 1762546 (VCV001762546.2), dbSNP rs2539073321, ClinGen allele CA2580079648.

ClinVar aggregate classification (germline): Pathogenic (1 of 4 stars; one submission).

Conditions:
Cardiovascular phenotype. Identifiers: MedGen CN230736.

Submission:

Ambry Genetics
Classification: Pathogenic for Cardiovascular phenotype. Last evaluated: 2019-06-07. Review status: criteria provided, single submitter. Criteria: Ambry Variant Classification Scheme 2023. Collection method: clinical testing. Allele origin: germline.
Comment: The c.822delT pathogenic mutation, located in coding exon 7 of the ENG gene, results from a deletion of one nucleotide at nucleotide position 822, causing a translational frameshift with a predicted alternate stop codon (p.G275Efs*84). This alteration is expected to result in loss of function by premature protein truncation or nonsense-mediated mRNA decay. As such, this alteration is interpreted as a disease-causing mutation.